The following is an entry in ClinVar:

ClinVar aggregate classification (germline): Likely benign (1 of 4 stars; one submission).

gnomAD v4.1: 1,075 of 1,614,174 alleles (0.067%); highest among the groups gnomAD compares: Admixed American, 0.095%; 1 homozygote.

Submission:

CeGaT Center for Human Genetics Tuebingen
Classification: Likely benign. Last evaluated: 2024-12-01. Review status: criteria provided, single submitter. Criteria: CeGaT Center For Human Genetics Tuebingen Variant Classification Criteria Version 2. Collection method: clinical testing. Allele origin: germline. Affected: yes. Observed: 1 variant allele.
Comment: SRP68: BP4, BP7

NM_014230.4(SRP68):c.1671G>A (p.Arg557=)

Gene: SRP68 (signal recognition particle 68; minus strand). Cytogenetic location: 17q25.1.
Variant type: single nucleotide variant.
Coding change: c.1671G>A on transcript NM_014230.4 (MANE Select); coding-DNA position 1671, G replaced by A.
Protein change: p.Arg557=; no amino-acid change (arginine 557 retained).
Molecular consequence: synonymous variant. On other transcripts: non-coding transcript variant (1).
Genome position (GRCh38, 1-based): chr17:76,039,919, C>T on the plus strand (G>A on the coding strand, the complement: SRP68 is on the minus strand). VCF-style: chr17-76039919-C-T. GRCh37 (hg19) VCF-style: chr17-74036000-C-T.
Other names: c.1557G>A, p.Arg519= (NM_001260502.2); c.654G>A, p.Arg218= (NM_001260503.2).
Identifiers: ClinVar variation 3770725 (VCV003770725.13).